The following is an entry in ClinVar:

NM_004525.3(LRP2):c.6269T>C (p.Val2090Ala)

Gene: LRP2 (LDL receptor related protein 2; minus strand). Cytogenetic location: 2q31.1.
Variant type: single nucleotide variant.
Coding change: c.6269T>C on transcript NM_004525.3 (MANE Select); coding-DNA position 6269, T replaced by C.
Protein change: p.Val2090Ala; replaces valine 2090 with alanine.
Molecular consequence: missense variant.
Genome position (GRCh38, 1-based): chr2:169,211,979, A>G on the plus strand (T>C on the coding strand, the complement: LRP2 is on the minus strand). VCF-style: chr2-169211979-A-G. GRCh37 (hg19) VCF-style: chr2-170068489-A-G.
Other names: c.6269T>C (NM_004525.2); short protein forms V2090A.
Identifiers: ClinVar variation 2185836 (VCV002185836.2), dbSNP rs565183720, ClinGen allele CA1954334.

ClinVar aggregate classification (germline): Uncertain significance. Review status: criteria provided, multiple submitters, no conflicts (2 of 4 stars). 2 submissions from 2 submitters: Uncertain significance (2). Last evaluated 2025-05-14.

Conditions:
Inborn genetic diseases. Identifiers: MedGen C0950123, MeSH D030342.

Allele frequency attached by ClinVar (database versions not stated): gnomAD exomes below 0.00001; 1000 Genomes Project 0.00040; gnomAD 0.00008; 1000 Genomes Project 30x 0.00031; ExAC 0.00004; TOPMed 0.00011.
gnomAD v4.1: 19 of 1,613,982 alleles (0.0012%); highest among the groups gnomAD compares: African/African-American, 0.023%; no homozygotes.

Submissions (2):

Ambry Genetics
Classification: Uncertain significance for Inborn genetic diseases. Last evaluated: 2025-05-14. Review status: criteria provided, single submitter. Criteria: Ambry Variant Classification Scheme 2023. Collection method: clinical testing. Allele origin: germline.

Labcorp Genetics (formerly Invitae), Labcorp
Classification: Uncertain significance. Last evaluated: 2022-07-30. Review status: criteria provided, single submitter. Criteria: Invitae Variant Classification Sherloc (09022015). Collection method: clinical testing. Allele origin: germline.
Comment: This sequence change replaces valine, which is neutral and non-polar, with alanine, which is neutral and non-polar, at codon 2090 of the LRP2 protein (p.Val2090Ala). This variant is present in population databases (rs565183720, gnomAD 0.04%). This variant has not been reported in the literature in individuals affected with LRP2-related conditions. Algorithms developed to predict the effect of missense changes on protein structure and function are either unavailable or do not agree on the potential impact of this missense change (SIFT: "Deleterious"; PolyPhen-2: "Benign"; Align-GVGD: "Class C0"). In summary, the available evidence is currently insufficient to determine the role of this variant in disease. Therefore, it has been classified as a Variant of Uncertain Significance.